The following is an entry in ClinVar:

ClinVar aggregate classification (germline): Uncertain significance. Review status: criteria provided, multiple submitters, no conflicts (2 of 4 stars). 2 submissions from 2 submitters: Uncertain significance (2). Last evaluated 2023-08-03.

Allele frequency attached by ClinVar (database versions not stated): ExAC 0.00001; gnomAD 0.00001; TOPMed 0.00002; ESP Exome Variant Server 0.00015.

Submissions (2):

Blueprint Genetics
Classification: Uncertain significance. Last evaluated: 2023-08-03. Review status: criteria provided, single submitter. Criteria: ACMG Guidelines, 2015. Collection method: clinical testing. Allele origin: germline.

Labcorp Genetics (formerly Invitae), Labcorp
Classification: Uncertain significance. Last evaluated: 2022-08-21. Review status: criteria provided, single submitter. Criteria: Invitae Variant Classification Sherloc (09022015). Collection method: clinical testing. Allele origin: germline.
Comment: This sequence change replaces arginine, which is basic and polar, with histidine, which is basic and polar, at codon 129 of the BSND protein (p.Arg129His). This variant is present in population databases (rs367549117, gnomAD 0.003%). This variant has not been reported in the literature in individuals affected with BSND-related conditions. Algorithms developed to predict the effect of missense changes on protein structure and function output the following: SIFT: "Tolerated"; PolyPhen-2: "Benign"; Align-GVGD: "Class C0". The histidine amino acid residue is found in multiple mammalian species, which suggests that this missense change does not adversely affect protein function. In summary, the available evidence is currently insufficient to determine the role of this variant in disease. Therefore, it has been classified as a Variant of Uncertain Significance.

NM_057176.3(BSND):c.386G>A (p.Arg129His)

Gene: BSND (barttin CLCNK type accessory subunit beta; plus strand). Cytogenetic location: 1p32.3.
Variant type: single nucleotide variant.
Coding change: c.386G>A on transcript NM_057176.3 (MANE Select); coding-DNA position 386, G replaced by A.
Protein change: p.Arg129His; replaces arginine 129 with histidine.
Molecular consequence: missense variant.
Genome position (GRCh38, 1-based): chr1:55,007,110, G>A. VCF-style: chr1-55007110-G-A. GRCh37 (hg19) VCF-style: chr1-55472783-G-A.
Other names: short protein forms R129H.
Identifiers: ClinVar variation 2180512 (VCV002180512.2), dbSNP rs367549117, ClinGen allele CA871321.
Genomic context (GRCh38, chr1:55,007,110, plus strand): 5'-AGAGCCTGCCTGACTTCAGCCACATCCAGATGAAAGTCATGAGCTACAGTGAGGACCACC[G>A]CTCCTTGCTGGCCCCTGAGATGGGGCAGCCGAAGCTGGGAACCAGTGATGGAGGAGAAGG-3'
Protein context (NP_476517.1, residues 119-139): MKVMSYSEDH[Arg129His]SLLAPEMGQP